The following is an entry in ClinVar:

NM_001130823.3(DNMT1):c.1945G>A (p.Ala649Thr)

Gene: DNMT1 (DNA methyltransferase 1; minus strand). Cytogenetic location: 19p13.2.
Variant type: single nucleotide variant.
Coding change: c.1945G>A on transcript NM_001130823.3 (MANE Select); coding-DNA position 1945, G replaced by A.
Protein change: p.Ala649Thr; replaces alanine 649 with threonine.
Molecular consequence: missense variant.
Genome position (GRCh38, 1-based): chr19:10,154,367, C>T on the plus strand (G>A on the coding strand, the complement: DNMT1 is on the minus strand). VCF-style: chr19-10154367-C-T. GRCh37 (hg19) VCF-style: chr19-10265043-C-T.
Other names: c.1897G>A, p.Ala633Thr (NM_001318730.2, NM_001379.4); c.1582G>A, p.Ala528Thr (NM_001318731.2); short protein forms A528T, A633T, A649T.
Identifiers: ClinVar variation 1475960 (VCV001475960.8), dbSNP rs1228041705, ClinGen allele CA403933430.

ClinVar aggregate classification (germline): Uncertain significance (1 of 4 stars; one submission).

Conditions:
Hereditary sensory neuropathy-deafness-dementia syndrome. Also called: Hereditary sensory neuropathy type IE; NEUROPATHY, HEREDITARY SENSORY, WITH HEARING LOSS AND DEMENTIA; HSN IE; Hereditary Sensory and Autonomic Neuropathy Type 1E (HSAN1E). Identifiers: Orphanet 456318, MedGen C3279885, MONDO:0013584, OMIM 614116.

Allele frequency attached by ClinVar (database versions not stated): gnomAD exomes below 0.00001.
gnomAD v4.1: 2 of 1,614,216 alleles (0.00012%); highest among the groups gnomAD compares: Admixed American, 0.0017%; no homozygotes.

Submission:

Labcorp Genetics (formerly Invitae), Labcorp
Classification: Uncertain significance for Hereditary sensory neuropathy-deafness-dementia syndrome. Last evaluated: 2021-04-14. Review status: criteria provided, single submitter. Criteria: Invitae Variant Classification Sherloc (09022015). Collection method: clinical testing. Allele origin: germline.
Comment: This sequence change replaces alanine with threonine at codon 649 of the DNMT1 protein (p.Ala649Thr). The alanine residue is weakly conserved and there is a small physicochemical difference between alanine and threonine. This variant is not present in population databases (ExAC no frequency). This variant has not been reported in the literature in individuals with DNMT1-related disease. Algorithms developed to predict the effect of missense changes on protein structure and function (SIFT, PolyPhen-2, Align-GVGD) all suggest that this variant is likely to be tolerated, but these predictions have not been confirmed by published functional studies and their clinical significance is uncertain. In summary, the available evidence is currently insufficient to determine the role of this variant in disease. Therefore, it has been classified as a Variant of Uncertain Significance.